The following is an entry in ClinVar:

NM_001267550.2(TTN):c.94032C>A (p.Tyr31344Ter)

Genes: TTN (titin; minus strand), TTN-AS1 (TTN antisense RNA 1; plus strand). Cytogenetic location: 2q31.2.
Variant type: single nucleotide variant.
Coding change: c.94032C>A on transcript NM_001267550.2 (MANE Select); coding-DNA position 94032, C replaced by A.
Protein change: p.Tyr31344Ter; replaces tyrosine 31344 with a stop codon.
Molecular consequence: nonsense.
Genome position (GRCh38, 1-based): chr2:178,547,594, G>T on the plus strand (C>A on the coding strand, the complement: TTN is on the minus strand). VCF-style: chr2-178547594-G-T. GRCh37 (hg19) VCF-style: chr2-179412321-G-T.
Other names: c.89109C>A, p.Tyr29703Ter (NM_001256850.1); c.66837C>A, p.Tyr22279Ter (NM_003319.4); c.86328C>A, p.Tyr28776Ter (NM_133378.4); c.67212C>A, p.Tyr22404Ter (NM_133432.3); c.67413C>A, p.Tyr22471Ter (NM_133437.4); short protein forms Y22279*, Y22404*, Y28776*, Y29703*, Y31344*, Y22471*.
Identifiers: ClinVar variation 2014122 (VCV002014122.4), dbSNP rs2469100063, ClinGen allele CA349478520.

ClinVar aggregate classification (germline): Likely pathogenic (1 of 4 stars; one submission).

Conditions:
Autosomal recessive limb-girdle muscular dystrophy type 2J (LGMDR10). Also called: Limb-girdle muscular dystrophy, type 2J; MUSCULAR DYSTROPHY, LIMB-GIRDLE, AUTOSOMAL RECESSIVE 10. Identifiers: Orphanet 140922, MedGen C1837342, MONDO:0012127, OMIM 608807.
Dilated cardiomyopathy 1G (CMD1G). Identifiers: Orphanet 154, MedGen C1858763, MONDO:0011400, OMIM 604145.

Submission:

Labcorp Genetics (formerly Invitae), Labcorp
Classification: Likely pathogenic for Dilated cardiomyopathy 1G; Autosomal recessive limb-girdle muscular dystrophy type 2J. Last evaluated: 2025-04-27. Review status: criteria provided, single submitter. Criteria: Invitae Variant Classification Sherloc (09022015). Collection method: clinical testing. Allele origin: germline.
Comment: This sequence change creates a premature translational stop signal (p.Tyr31344*) in the TTN gene. While this is not anticipated to result in nonsense mediated decay, it is expected to create a truncated TTN protein. This variant is not present in population databases (gnomAD no frequency). This variant has not been reported in the literature in individuals affected with TTN-related conditions. ClinVar contains an entry for this variant (Variation ID: 2014122). This variant is located in the A band of TTN (PMID: 25589632). Truncating variants in this region are significantly overrepresented in patients affected with dilated cardiomyopathy (PMID: 25589632). Truncating variants in this region have also been reported in individuals affected with autosomal recessive centronuclear myopathy (PMID: 23975875). In summary, the currently available evidence indicates that the variant is pathogenic, but additional data are needed to prove that conclusively. Therefore, this variant has been classified as Likely Pathogenic.

Literature cited by the submitters: PubMed 25589632; PubMed 23975875.